The following is an entry in ClinVar:

NM_001211.6(BUB1B):c.2415T>G (p.Phe805Leu)

Gene: BUB1B (BUB1 mitotic checkpoint serine/threonine kinase B; plus strand). Cytogenetic location: 15q15.1.
Variant type: single nucleotide variant.
Coding change: c.2415T>G on transcript NM_001211.6 (MANE Select); coding-DNA position 2415, T replaced by G.
Protein change: p.Phe805Leu; replaces phenylalanine 805 with leucine.
Molecular consequence: missense variant.
Genome position (GRCh38, 1-based): chr15:40,212,528, T>G. VCF-style: chr15-40212528-T-G. GRCh37 (hg19) VCF-style: chr15-40504729-T-G.
Other names: short protein forms F805L.
Identifiers: ClinVar variation 2174913 (VCV002174913.2), dbSNP rs2542575326, ClinGen allele CA391695158.

ClinVar aggregate classification (germline): Uncertain significance (1 of 4 stars; one submission).

Conditions:
Mosaic variegated aneuploidy syndrome 1 (MVA1). Also called: Warburton-Anyane-Yeboa syndrome. Identifiers: Orphanet 1052, MedGen C1850343, MONDO:0009759, OMIM 257300.

Submission:

Labcorp Genetics (formerly Invitae), Labcorp
Classification: Uncertain significance for Mosaic variegated aneuploidy syndrome 1. Last evaluated: 2022-02-28. Review status: criteria provided, single submitter. Criteria: Invitae Variant Classification Sherloc (09022015). Collection method: clinical testing. Allele origin: germline.
Comment: In summary, the available evidence is currently insufficient to determine the role of this variant in disease. Therefore, it has been classified as a Variant of Uncertain Significance. Algorithms developed to predict the effect of missense changes on protein structure and function output the following: SIFT: "Tolerated"; PolyPhen-2: "Benign"; Align-GVGD: "Class C0". The leucine amino acid residue is found in multiple mammalian species, which suggests that this missense change does not adversely affect protein function. This variant has not been reported in the literature in individuals affected with BUB1B-related conditions. This variant is not present in population databases (gnomAD no frequency). This sequence change replaces phenylalanine, which is neutral and non-polar, with leucine, which is neutral and non-polar, at codon 805 of the BUB1B protein (p.Phe805Leu).